The following is an entry in ClinVar:

NM_001099922.3(ALG13):c.3039A>G (p.Val1013=)

Gene: ALG13 (ALG13 UDP-N-acetylglucosaminyltransferase subunit; plus strand). Cytogenetic location: Xq23.
Variant type: single nucleotide variant.
Coding change: c.3039A>G on transcript NM_001099922.3 (MANE Select); coding-DNA position 3039, A replaced by G.
Protein change: p.Val1013=; no amino-acid change (valine 1013 retained).
Molecular consequence: synonymous variant. On other transcripts: non-coding transcript variant (1).
Genome position (GRCh38, 1-based): chrX:111,757,653, A>G. VCF-style: chrX-111757653-A-G. GRCh37 (hg19) VCF-style: chrX-111000881-A-G.
Other names: c.2490A>G, p.Val830= (NM_001257230.2, NM_001257234.2, NM_001257237.2); c.2805A>G, p.Val935= (NM_001257231.2); c.2802A>G, p.Val934= (NM_001324292.2); c.2316A>G, p.Val772= (NM_001324293.1).
Identifiers: ClinVar variation 383513 (VCV000383513.19), dbSNP rs183032531, ClinGen allele CA10494036.

ClinVar aggregate classification (germline): Benign/Likely benign. Review status: criteria provided, multiple submitters, no conflicts (2 of 4 stars). 8 submissions from 8 submitters: Benign (5); Likely benign (2). 1 of the submissions does not count toward it. Last evaluated 2026-01-28.

Conditions:
ALG13-related disorder. Also called: ALG13-related condition.
Inborn genetic diseases. Identifiers: MedGen C0950123, MeSH D030342.
Developmental and epileptic encephalopathy, 36 (DEE36). Also called: Congenital disorder of glycosylation, type Is; Epileptic encephalopathy, early infantile, 36; ALG13-CDG. Identifiers: Orphanet 324422, MedGen C4317295, MONDO:0010472, OMIM 300884.

Allele frequency attached by ClinVar (database versions not stated): gnomAD exomes 0.00030 and 0.00095; ExAC 0.00130; 1000 Genomes Project 30x 0.00354; 1000 Genomes Project 0.00371; gnomAD 0.00372 and 0.00394; TOPMed 0.00390; ESP Exome Variant Server 0.00431.
gnomAD v4.1: 766 of 1,207,045 alleles (0.063%); highest among the groups gnomAD compares: African/African-American, 1.2%; 5 homozygotes.

Submissions (8):

Labcorp Genetics (formerly Invitae), Labcorp
Classification: Benign for Developmental and epileptic encephalopathy, 36. Last evaluated: 2026-01-28. Review status: criteria provided, single submitter. Criteria: Invitae Variant Classification Sherloc (09022015). Collection method: clinical testing. Allele origin: germline.

Blueprint Genetics
Classification: Likely benign. Last evaluated: 2024-09-18. Review status: criteria provided, single submitter. Criteria: ACMG Guidelines, 2015. Collection method: clinical testing. Allele origin: germline.

Genome-Nilou Lab
Classification: Benign for Developmental and epileptic encephalopathy, 36. Last evaluated: 2021-12-05. Review status: criteria provided, single submitter. Criteria: ACMG Guidelines, 2015. Collection method: clinical testing. Allele origin: germline. Affected: no.

Fulgent Genetics
Classification: Likely benign for Developmental and epileptic encephalopathy, 36. Last evaluated: 2021-10-30. Review status: criteria provided, single submitter. Criteria: ACMG Guidelines, 2015. Collection method: clinical testing. Allele origin: unknown.

Ambry Genetics
Classification: Benign for Inborn genetic diseases. Last evaluated: 2017-07-21. Review status: criteria provided, single submitter. Criteria: Ambry Variant Classification Scheme 2023. Collection method: clinical testing. Allele origin: germline.

Athena Diagnostics
Classification: Benign. Last evaluated: 2017-06-28. Review status: criteria provided, single submitter. Criteria: Athena Diagnostics Criteria. Collection method: clinical testing. Allele origin: germline.

GeneDx
Classification: Benign. Last evaluated: 2016-06-30. Review status: criteria provided, single submitter. Criteria: GeneDx Variant Classification (06012015). Collection method: clinical testing. Allele origin: germline. Affected: yes.
Comment: This variant is considered likely benign or benign based on one or more of the following criteria: it is a conservative change, it occurs at a poorly conserved position in the protein, it is predicted to be benign by multiple in silico algorithms, and/or has population frequency not consistent with disease.

PreventionGenetics, part of Exact Sciences
Classification: Benign for ALG13-related condition. Last evaluated: 2020-01-02. Review status: no assertion criteria provided. Collection method: clinical testing. Allele origin: germline. Not counted in ClinVar's aggregate classification.
Comment: This variant is classified as benign based on ACMG/AMP sequence variant interpretation guidelines (Richards et al. 2015 PMID: 25741868, with internal and published modifications).